The following is an entry in ClinVar:

ClinVar aggregate classification (germline): Uncertain significance. Review status: criteria provided, multiple submitters, no conflicts (2 of 4 stars). 3 submissions from 3 submitters: Uncertain significance (3). Last evaluated 2026-01-27.

Conditions:
Hereditary cancer-predisposing syndrome. Also called: Tumor predisposition; Hereditary Cancer Syndrome; Hereditary neoplastic syndrome; Neoplastic Syndromes, Hereditary. Identifiers: Orphanet 140162, MedGen C0027672, MeSH D009386, MONDO:0015356.
Von Hippel-Lindau syndrome (VHLS). Also called: von Hippel–Lindau syndrome; VHL syndrome; Von Hippel-Lindau. Identifiers: Orphanet 892, MedGen C0019562, MONDO:0008667, OMIM 193300. Disease mechanism: loss of function.
Chuvash polycythemia. Also called: POLYCYTHEMIA, VHL-DEPENDENT. Identifiers: Orphanet 238557, MedGen C1837915, MONDO:0009892, OMIM 263400.

Submissions (3):

Ambry Genetics
Classification: Uncertain significance for Hereditary cancer-predisposing syndrome. Last evaluated: 2026-01-27. Review status: criteria provided, single submitter. Criteria: Ambry Variant Classification Scheme 2023. Collection method: clinical testing. Allele origin: germline.
Comment: The p.E16K variant (also known as c.46G>A), located in coding exon 1 of the VHL gene, results from a G to A substitution at nucleotide position 46. The glutamic acid at codon 16 is replaced by lysine, an amino acid with similar properties. This amino acid position is well conserved in available vertebrate species. In addition, the in silico prediction for this alteration is inconclusive. Based on the available evidence, the clinical significance of this variant remains unclear.

Labcorp Genetics (formerly Invitae), Labcorp
Classification: Uncertain significance for Von Hippel-Lindau syndrome; Chuvash polycythemia. Last evaluated: 2025-10-29. Review status: criteria provided, single submitter. Criteria: Invitae Variant Classification Sherloc (09022015). Collection method: clinical testing. Allele origin: germline.
Comment: This sequence change replaces glutamic acid, which is acidic and polar, with lysine, which is basic and polar, at codon 16 of the VHL protein (p.Glu16Lys). This variant is not present in population databases (gnomAD no frequency). This variant has not been reported in the literature in individuals affected with VHL-related conditions. ClinVar contains an entry for this variant (Variation ID: 3256397). Invitae Evidence Modeling of protein sequence and biophysical properties (such as structural, functional, and spatial information, amino acid conservation, physicochemical variation, residue mobility, and thermodynamic stability) indicates that this missense variant is not expected to disrupt VHL protein function with a negative predictive value of 95%. In summary, the available evidence is currently insufficient to determine the role of this variant in disease. Therefore, it has been classified as a Variant of Uncertain Significance.

Center for Genomic Medicine, Rigshospitalet, Copenhagen University Hospital
Classification: Uncertain significance. Last evaluated: 2025-03-04. Review status: criteria provided, single submitter. Criteria: ACMG Guidelines, 2015. Collection method: clinical testing. Allele origin: germline.

NM_000551.4(VHL):c.46G>A (p.Glu16Lys)

Gene: VHL (von Hippel-Lindau tumor suppressor; plus strand). Cytogenetic location: 3p25.3.
Variant type: single nucleotide variant.
Coding change: c.46G>A on transcript NM_000551.4 (MANE Select); coding-DNA position 46, G replaced by A.
Protein change: p.Glu16Lys; replaces glutamic acid 16 with lysine.
Molecular consequence: missense variant. On other transcripts: non-coding transcript variant (1).
Genome position (GRCh38, 1-based): chr3:10,141,893, G>A. VCF-style: chr3-10141893-G-A. GRCh37 (hg19) VCF-style: chr3-10183577-G-A.
Other names: c.46G>A, p.Glu16Lys (NM_001354723.2, NM_198156.3); short protein forms E16K.
Identifiers: ClinVar variation 3256397 (VCV003256397.4).